The following is an entry in ClinVar:

ClinVar aggregate classification (germline): Likely benign (1 of 4 stars; one submission).

gnomAD v4.1: 51 of 1,548,274 alleles (0.0033%); highest among the groups gnomAD compares: Admixed American, 0.0098%; no homozygotes.

Submission:

CeGaT Center for Human Genetics Tuebingen
Classification: Likely benign. Last evaluated: 2024-11-01. Review status: criteria provided, single submitter. Criteria: CeGaT Center For Human Genetics Tuebingen Variant Classification Criteria Version 2. Collection method: clinical testing. Allele origin: germline. Affected: yes. Observed: 1 variant allele.
Comment: SETD1B: BP4, BP7

NM_001353345.2(SETD1B):c.1680C>T (p.Pro560=)

Gene: SETD1B (SET domain containing 1B, histone lysine methyltransferase; plus strand). Cytogenetic location: 12q24.31.
Variant type: single nucleotide variant.
Coding change: c.1680C>T on transcript NM_001353345.2 (MANE Select); coding-DNA position 1680, C replaced by T.
Protein change: p.Pro560=; no amino-acid change (proline 560 retained).
Molecular consequence: synonymous variant.
Genome position (GRCh38, 1-based): chr12:121,810,625, C>T. VCF-style: chr12-121810625-C-T. GRCh37 (hg19) VCF-style: chr12-122248531-C-T.
Identifiers: ClinVar variation 3389350 (VCV003389350.14).